The following is an entry in ClinVar:

ClinVar aggregate classification (germline): Uncertain significance (1 of 4 stars; one submission).

Conditions:
Autosomal dominant Parkinson disease 8. Also called: LRRK2-Related Parkinson Disease; Parkinson disease 8; Parkinson disease 8, susceptibility to. Identifiers: Orphanet 411602, MedGen C1846862, MONDO:0011764, OMIM 607060.

Allele frequency attached by ClinVar (database versions not stated): gnomAD exomes below 0.00001; TOPMed 0.00001.
gnomAD v4.1: 1 of 1,613,218 alleles (0.000062%); highest among the groups gnomAD compares: Non-Finnish European, 0.000085%; no homozygotes.

Submission:

Labcorp Genetics (formerly Invitae), Labcorp
Classification: Uncertain significance for Autosomal dominant Parkinson disease 8. Last evaluated: 2019-11-20. Review status: criteria provided, single submitter. Criteria: Invitae Variant Classification Sherloc (09022015). Collection method: clinical testing. Allele origin: germline.
Comment: In summary, the available evidence is currently insufficient to determine the role of this variant in disease. Therefore, it has been classified as a Variant of Uncertain Significance. Algorithms developed to predict the effect of missense changes on protein structure and function are either unavailable or do not agree on the potential impact of this missense change (SIFT: "Deleterious"; PolyPhen-2: "Probably Damaging"; Align-GVGD: "Class C0"). This variant has not been reported in the literature in individuals with LRRK2-related disease. This variant is not present in population databases (ExAC no frequency). This sequence change replaces proline with arginine at codon 1865 of the LRRK2 protein (p.Pro1865Arg). The proline residue is highly conserved and there is a moderate physicochemical difference between proline and arginine.

NM_198578.4(LRRK2):c.5594C>G (p.Pro1865Arg)

Gene: LRRK2 (leucine rich repeat kinase 2; plus strand). Cytogenetic location: 12q12.
Variant type: single nucleotide variant.
Coding change: c.5594C>G on transcript NM_198578.4 (MANE Select); coding-DNA position 5594, C replaced by G.
Protein change: p.Pro1865Arg; replaces proline 1865 with arginine.
Molecular consequence: missense variant.
Genome position (GRCh38, 1-based): chr12:40,323,244, C>G. VCF-style: chr12-40323244-C-G. GRCh37 (hg19) VCF-style: chr12-40717046-C-G.
Other names: short protein forms P1865R.
Identifiers: ClinVar variation 571682 (VCV000571682.10), dbSNP rs905690564, ClinGen allele CA235363830.